The following is an entry in ClinVar:

ClinVar aggregate classification (germline): Likely benign. Review status: criteria provided, multiple submitters, no conflicts (2 of 4 stars). 4 submissions from 4 submitters: Likely benign (4). Last evaluated 2023-05-15.

Conditions:
Cardiovascular phenotype. Identifiers: MedGen CN230736.
Arrhythmogenic right ventricular cardiomyopathy (ARVD). Also called: Arrhythmogenic cardiomyopathy; Cardiomyopathy, ARVC; Arrhythmogenic right ventricular dysplasia; Arrhythmogenic Right Ventricular Cardiomyopathy (ARVC). Identifiers: Orphanet 247, MedGen C0349788, MeSH D019571, MONDO:0016587. Disease mechanism: loss of function. Inheritance: Various modes of inheritance.
Cardiomyopathy (CMYO). Also called: Cardiomyopathies. Identifiers: Orphanet 167848, MedGen C0878544, MONDO:0004994, HP:0001638. Inheritance: Various modes of inheritance.
Arrhythmogenic right ventricular dysplasia 10. Also called: Arrhythmogenic Right Ventricular Dysplasia/Cardiomyopathy10; ARRHYTHMOGENIC RIGHT VENTRICULAR DYSPLASIA, FAMILIAL, 10; Arrhythmogenic right ventricular dysplasia/cardiomyopathy, type 10. Identifiers: MedGen C1857777, MONDO:0012434, OMIM 610193.

gnomAD v4.1: 5 of 1,613,980 alleles (0.00031%); highest among the groups gnomAD compares: Non-Finnish European, 0.00042%; no homozygotes.

Submissions (4):

All of Us Research Program, National Institutes of Health
Classification: Likely benign for Arrhythmogenic right ventricular cardiomyopathy. Last evaluated: 2023-05-15. Review status: criteria provided, single submitter. Criteria: ACMG Guidelines, 2015. Collection method: clinical testing. Allele origin: germline. Inheritance: Autosomal dominant inheritance. Observed: 2 variant alleles, 2 heterozygotes.
Comment: This study involves interpretation of variants in research participants for the purpose of population health screening. Participant phenotype was not available at the time of variant classification. Additional details can be found in publication PMID: 35346344, PMCID: PMC8962531

Ambry Genetics
Classification: Likely benign for Cardiovascular phenotype. Last evaluated: 2023-03-13. Review status: criteria provided, single submitter. Criteria: Ambry Variant Classification Scheme 2023. Collection method: clinical testing. Allele origin: germline.

Labcorp Genetics (formerly Invitae), Labcorp
Classification: Likely benign for Arrhythmogenic right ventricular dysplasia 10. Last evaluated: 2022-08-09. Review status: criteria provided, single submitter. Criteria: Invitae Variant Classification Sherloc (09022015). Collection method: clinical testing. Allele origin: germline.

Color Diagnostics, LLC DBA Color Health
Classification: Likely benign for Cardiomyopathy. Last evaluated: 2019-08-02. Review status: criteria provided, single submitter. Criteria: ACMG Guidelines, 2015. Collection method: clinical testing. Allele origin: germline.

NM_001943.5(DSG2):c.82-4A>G

Gene: DSG2 (desmoglein 2; plus strand). Cytogenetic location: 18q12.1.
Variant type: single nucleotide variant.
Coding change: c.82-4A>G on transcript NM_001943.5 (MANE Select); 4 bases into the intron before coding-DNA position 82, A replaced by G.
Molecular consequence: intron variant.
Genome position (GRCh38, 1-based): chr18:31,519,799, A>G. VCF-style: chr18-31519799-A-G. GRCh37 (hg19) VCF-style: chr18-29099762-A-G.
Other names: c.82-4A>G (NM_001943.3).
Identifiers: ClinVar variation 919705 (VCV000919705.9), dbSNP rs1332379061, ClinGen allele CA629147995.